The following is an entry in ClinVar:

ClinVar aggregate classification (germline): Uncertain significance (1 of 4 stars; one submission).

gnomAD v4.1: 11 of 1,614,090 alleles (0.00068%); highest among the groups gnomAD compares: Middle Eastern, 0.016%; no homozygotes.

Submission:

GeneDx
Classification: Uncertain significance. Last evaluated: 2026-01-27. Review status: criteria provided, single submitter. Criteria: GeneDx Variant Classification Process June 2021. Collection method: clinical testing. Allele origin: germline.
Comment: In silico analysis suggests that this missense variant does not alter protein structure/function; Has not been previously published as pathogenic or benign to our knowledge; This variant is associated with the following publications: (PMID: 21520338, 31554319, 9590290, 16718611)

NM_005422.4(TECTA):c.5840G>A (p.Arg1947His)

Genes: TBCEL-TECTA (TBCEL-TECTA readthrough; plus strand), TECTA (tectorin alpha; plus strand). Cytogenetic location: 11q23.3.
Variant type: single nucleotide variant.
Coding change: c.5840G>A on transcript NM_005422.4 (MANE Select); coding-DNA position 5840, G replaced by A.
Protein change: p.Arg1947His; replaces arginine 1947 with histidine.
Molecular consequence: missense variant.
Genome position (GRCh38, 1-based): chr11:121,168,766, G>A. VCF-style: chr11-121168766-G-A. GRCh37 (hg19) VCF-style: chr11-121039475-G-A.
Other names: c.6782G>A, p.Arg2261His (NM_001378761.1); short protein forms R1947H, R2261H.
Identifiers: ClinVar variation 4975358 (VCV004975358.1).